The following is an entry in ClinVar:

ClinVar aggregate classification (germline): Uncertain significance (1 of 4 stars; one submission).

Conditions:
Microcephaly 5, primary, autosomal recessive (MCPH5). Also called: ASPM Primary Microcephaly. Identifiers: Orphanet 2512, MedGen C1837501, MONDO:0012106, OMIM 608716.

Submission:

Juno Genomics, Hangzhou Juno Genomics, Inc
Classification: Uncertain significance for Microcephaly 5, primary, autosomal recessive. Review status: criteria provided, single submitter. Criteria: ACMG Guidelines, 2015. Collection method: clinical testing. Allele origin: germline.
Comment: Absent from controls (or at extremely low frequency if recessive) in Genome Aggregation Database.;Protein length changes due to in-frame deletions/insertions in a non-repeat region or stop-loss variants.

NM_018136.5(ASPM):c.6295_6300del (p.Lys2099_Ile2100del)

Gene: ASPM (assembly factor for spindle microtubules; minus strand). Cytogenetic location: 1q31.3.
Variant type: Deletion.
Coding change: c.6295_6300del on transcript NM_018136.5 (MANE Select); coding-DNA positions 6295 to 6300, 6 bases deleted (AAAATC; older notation c.6295_6300delAAAATC).
Protein change: p.Lys2099_Ile2100del.
Molecular consequence: inframe deletion. On other transcripts: intron variant (1).
Genome position (GRCh38, 1-based): chr1:197,102,951-197,102,956, GATTTT deleted on the plus strand (AAAATC on the coding strand, the reverse complement: ASPM is on the minus strand). VCF-style (leftmost placement, unchanged base first): chr1-197102950-GGATTTT-G. GRCh37 (hg19) VCF-style: chr1-197072080-GGATTTT-G.
Other names: c.4066-6792_4066-6787del (NM_001206846.2).
Identifiers: ClinVar variation 5005480 (VCV005005480.2).